The following is an entry in ClinVar:

NM_053025.4(MYLK):c.949C>G (p.Pro317Ala)

Gene: MYLK (myosin light chain kinase; minus strand). Cytogenetic location: 3q21.1.
Variant type: single nucleotide variant.
Coding change: c.949C>G on transcript NM_053025.4 (MANE Select); coding-DNA position 949, C replaced by G.
Protein change: p.Pro317Ala; replaces proline 317 with alanine.
Molecular consequence: missense variant.
Genome position (GRCh38, 1-based): chr3:123,734,047, G>C on the plus strand (C>G on the coding strand, the complement: MYLK is on the minus strand). VCF-style: chr3-123734047-G-C. GRCh37 (hg19) VCF-style: chr3-123452894-G-C.
Other names: c.421C>G, p.Pro141Ala (NM_001321309.2); c.949C>G, p.Pro317Ala (NM_053026.4, NM_053027.4, NM_053028.4); short protein forms P141A, P317A.
Identifiers: ClinVar variation 2829423 (VCV002829423.3), dbSNP rs1420834022, ClinGen allele CA354239807.

ClinVar aggregate classification (germline): Uncertain significance (1 of 4 stars; one submission).

Conditions:
Aortic aneurysm, familial thoracic 7 (AAT7). Also called: AORTIC DISSECTION, FAMILIAL, WITH OR WITHOUT AORTIC ANEURYSM. Identifiers: MedGen C3151077, MONDO:0013418, OMIM 613780.

Submission:

Labcorp Genetics (formerly Invitae), Labcorp
Classification: Uncertain significance for Aortic aneurysm, familial thoracic 7. Last evaluated: 2023-08-22. Review status: criteria provided, single submitter. Criteria: Invitae Variant Classification Sherloc (09022015). Collection method: clinical testing. Allele origin: germline.
Comment: This sequence change replaces proline, which is neutral and non-polar, with alanine, which is neutral and non-polar, at codon 317 of the MYLK protein (p.Pro317Ala). This variant is not present in population databases (gnomAD no frequency). This variant has not been reported in the literature in individuals affected with MYLK-related conditions. Advanced modeling of protein sequence and biophysical properties (such as structural, functional, and spatial information, amino acid conservation, physicochemical variation, residue mobility, and thermodynamic stability) performed at Invitae indicates that this missense variant is not expected to disrupt MYLK protein function. In summary, the available evidence is currently insufficient to determine the role of this variant in disease. Therefore, it has been classified as a Variant of Uncertain Significance.